The following is an entry in ClinVar:

NM_014795.4(ZEB2):c.696C>A (p.Tyr232Ter)

Gene: ZEB2 (zinc finger E-box binding homeobox 2; minus strand). Cytogenetic location: 2q22.3.
Variant type: single nucleotide variant.
Coding change: c.696C>A on transcript NM_014795.4 (MANE Select); coding-DNA position 696, C replaced by A.
Protein change: p.Tyr232Ter; replaces tyrosine 232 with a stop codon.
Molecular consequence: nonsense.
Genome position (GRCh38, 1-based): chr2:144,404,027, G>T on the plus strand (C>A on the coding strand, the complement: ZEB2 is on the minus strand). VCF-style: chr2-144404027-G-T. GRCh37 (hg19) VCF-style: chr2-145161594-G-T.
Other names: c.624C>A, p.Tyr208Ter (NM_001171653.2); short protein forms Y208*, Y232*.
Identifiers: ClinVar variation 1076322 (VCV001076322.9), dbSNP rs1060503990, ClinGen allele CA348714804.

ClinVar aggregate classification (germline): Pathogenic (1 of 4 stars; one submission).

Conditions:
Mowat-Wilson syndrome (MOWS). Also called: Classic Mowat-Wilson Syndrome. Identifiers: Orphanet 2152, MedGen C1856113, MONDO:0009341, OMIM 235730.

Submission:

Labcorp Genetics (formerly Invitae), Labcorp
Classification: Pathogenic for Mowat-Wilson syndrome. Last evaluated: 2020-12-24. Review status: criteria provided, single submitter. Criteria: Invitae Variant Classification Sherloc (09022015). Collection method: clinical testing. Allele origin: germline.
Comment: For these reasons, this variant has been classified as Pathogenic. This sequence change creates a premature translational stop signal (p.Tyr232*) in the ZEB2 gene. It is expected to result in an absent or disrupted protein product. This variant is not present in population databases (ExAC no frequency). This nonsense change has been observed in individual(s) with Mowat-Wilson syndrome (PMID: 16053902, 27831545, 28501473). Algorithms developed to predict the effect of sequence changes on RNA splicing suggest that this variant may create or strengthen a splice site, but this prediction has not been confirmed by published transcriptional studies. Loss-of-function variants in ZEB2 are known to be pathogenic (PMID: 16053902).

Literature cited by the submitters: PubMed 16053902; PubMed 27831545; PubMed 28501473.